The following is an entry in ClinVar:

NM_006031.6(PCNT):c.1278G>A (p.Glu426=)

Gene: PCNT (pericentrin; plus strand). Cytogenetic location: 21q22.3.
Variant type: single nucleotide variant.
Coding change: c.1278G>A on transcript NM_006031.6 (MANE Select); coding-DNA position 1278, G replaced by A.
Protein change: p.Glu426=; no amino-acid change (glutamic acid 426 retained).
Molecular consequence: synonymous variant.
Genome position (GRCh38, 1-based): chr21:46,349,754, G>A. VCF-style: chr21-46349754-G-A. GRCh37 (hg19) VCF-style: chr21-47769668-G-A.
Other names: c.924G>A, p.Glu308= (NM_001315529.2).
Identifiers: ClinVar variation 1337185 (VCV001337185.12), dbSNP rs773448951, ClinGen allele CA10078566.

ClinVar aggregate classification (germline): Likely benign. Review status: criteria provided, multiple submitters, no conflicts (2 of 4 stars). 3 submissions from 3 submitters: Likely benign (2). 1 of the submissions does not count toward it. Last evaluated 2025-11-27.

Conditions:
PCNT-related disorder. Also called: PCNT-related condition.

Allele frequency attached by ClinVar (database versions not stated): TOPMed 0.00001; ExAC 0.00002.
gnomAD v4.1: 9 of 1,614,094 alleles (0.00056%); highest among the groups gnomAD compares: Admixed American, 0.015%; no homozygotes.

Submissions (3):

Labcorp Genetics (formerly Invitae), Labcorp
Classification: Likely benign. Last evaluated: 2025-11-27. Review status: criteria provided, single submitter. Criteria: Invitae Variant Classification Sherloc (09022015). Collection method: clinical testing. Allele origin: germline.

Genetic Services Laboratory, University of Chicago
Classification: Likely benign. Last evaluated: 2019-05-15. Review status: criteria provided, single submitter. Criteria: ACMG Guidelines, 2015. Collection method: clinical testing. Allele origin: germline. Affected: no.

PreventionGenetics, part of Exact Sciences
Classification: Likely benign for PCNT-related condition. Last evaluated: 2022-02-24. Review status: no assertion criteria provided. Collection method: clinical testing. Allele origin: germline. Not counted in ClinVar's aggregate classification.
Comment: This variant is classified as likely benign based on ACMG/AMP sequence variant interpretation guidelines (Richards et al. 2015 PMID: 25741868, with internal and published modifications).